The following is an entry in ClinVar:

NM_002519.3(NPAT):c.2740A>T (p.Ser914Cys)

Gene: NPAT (nuclear protein, coactivator of histone transcription; minus strand). Cytogenetic location: 11q22.3.
Variant type: single nucleotide variant.
Coding change: c.2740A>T on transcript NM_002519.3 (MANE Select); coding-DNA position 2740, A replaced by T.
Protein change: p.Ser914Cys; replaces serine 914 with cysteine.
Molecular consequence: missense variant.
Genome position (GRCh38, 1-based): chr11:108,172,244, T>A on the plus strand (A>T on the coding strand, the complement: NPAT is on the minus strand). VCF-style: chr11-108172244-T-A. GRCh37 (hg19) VCF-style: chr11-108042971-T-A.
Other names: c.2740A>T, p.Ser914Cys (NM_001321307.1); short protein forms S914C.
Identifiers: ClinVar variation 2496663 (VCV002496663.5), dbSNP rs983297631, ClinGen allele CA228383268.

ClinVar aggregate classification (germline): Uncertain significance. Review status: criteria provided, multiple submitters, no conflicts (2 of 4 stars). 2 submissions from 2 submitters: Uncertain significance (2). Last evaluated 2025-10-29.

Allele frequency attached by ClinVar (database versions not stated): gnomAD exomes below 0.00001.
gnomAD v4.1: 2 of 1,613,984 alleles (0.00012%); highest among the groups gnomAD compares: East Asian, 0.0022%; no homozygotes.

Submissions (2):

Labcorp Genetics (formerly Invitae), Labcorp
Classification: Uncertain significance. Last evaluated: 2025-10-29. Review status: criteria provided, single submitter. Criteria: Invitae Variant Classification Sherloc (09022015). Collection method: clinical testing. Allele origin: germline.
Comment: This sequence change replaces serine, which is neutral and polar, with cysteine, which is neutral and slightly polar, at codon 914 of the NPAT protein (p.Ser914Cys). This variant is not present in population databases (gnomAD no frequency). This variant has not been reported in the literature in individuals affected with NPAT-related conditions. ClinVar contains an entry for this variant (Variation ID: 2496663). An algorithm developed to predict the effect of missense changes on protein structure and function (PolyPhen-2) suggests that this variant is likely to be disruptive. In summary, the available evidence is currently insufficient to determine the role of this variant in disease. Therefore, it has been classified as a Variant of Uncertain Significance.

Ambry Genetics
Classification: Uncertain significance. Last evaluated: 2023-02-23. Review status: criteria provided, single submitter. Criteria: Ambry Variant Classification Scheme 2023. Collection method: clinical testing. Allele origin: germline.
Comment: The p.S914C variant (also known as c.2740A>T), located in coding exon 13 of the NPAT gene, results from an A to T substitution at nucleotide position 2740. The serine at codon 914 is replaced by cysteine, an amino acid with dissimilar properties. This amino acid position is conserved. In addition, this alteration is predicted to be tolerated by in silico analysis. Since supporting evidence is limited at this time, the clinical significance of this alteration remains unclear.